The following is an entry in ClinVar:

ClinVar aggregate classification (germline): Pathogenic (1 of 4 stars; one submission).

Conditions:
Neuromuscular disease caused by qualitative or quantitative defects of dystrophin. Also called: Qualitative or quantitative defects of dystrophin. Identifiers: Orphanet 207085, MedGen C5679787, MONDO:0016147.

Submission:

Women's Health and Genetics/Laboratory Corporation of America, LabCorp
Classification: Pathogenic for Neuromuscular disease caused by qualitative or quantitative defects of dystrophin. Last evaluated: 2021-04-29. Review status: criteria provided, single submitter. Criteria: LabCorp Variant Classification Summary - May 2015. Collection method: clinical testing. Allele origin: germline.
Comment: Variant summary: This variant identified by MLPA or other technology involves the deletion of exons 46-48 in the DMD gene. A presumed nomenclature of c.(6614+1_6615-1)_(7098+1_7099-1)del has been designated for the purposes of this classification. Although exact breakpoints of this deletion are not known, it is expected to result in a frameshift in the DMD gene, a known mechanism of disease. The variant was not found in approximately 16000 control chromosomes in the gnomAD structural variants database. Deletion of exons 46-48 has been reported in the literature in several individuals affected with Dystrophinopathies (examples- Sinha_1996, Tomar_2019, Zhang_2019, Ling_2020). These data indicate that the variant is very likely to be associated with disease. To our knowledge, no experimental evidence demonstrating an impact on protein function has been reported. One clinical diagnostic laboratory has submitted clinical-significance assessments for this variant to ClinVar after 2014, and classified the variant as pathogenic. Based on the evidence outlined above, the variant was classified as pathogenic.

Literature cited by the submitters: PubMed 9007319; PubMed 31705731; PubMed 31727011; PubMed 31081998.

NC_000023.10:g.(31854937_31893304)_(31950345_31986455)del

Gene: DMD (dystrophin; minus strand). Cytogenetic location: Xp21.1.
Variant type: Deletion.
Identifiers: ClinVar variation 1098826 (VCV001098826.1).